The following is an entry in ClinVar:

NM_000130.5(F5):c.3178T>C (p.Ser1060Pro)

Gene: F5 (coagulation factor V; minus strand). Cytogenetic location: 1q24.2.
Variant type: single nucleotide variant.
Coding change: c.3178T>C on transcript NM_000130.5 (MANE Select); coding-DNA position 3178, T replaced by C.
Protein change: p.Ser1060Pro; replaces serine 1060 with proline.
Molecular consequence: missense variant.
Genome position (GRCh38, 1-based): chr1:169,541,912, A>G on the plus strand (T>C on the coding strand, the complement: F5 is on the minus strand). VCF-style: chr1-169541912-A-G. GRCh37 (hg19) VCF-style: chr1-169511150-A-G.
Other names: short protein forms S1060P.
Identifiers: ClinVar variation 4751619 (VCV004751619.1).

ClinVar aggregate classification (germline): Uncertain significance (1 of 4 stars; one submission).

Conditions:
Congenital factor V deficiency. Also called: LABILE FACTOR DEFICIENCY; OWREN PARAHEMOPHILIA; PARAHEMOPHILIA; Hereditary factor V deficiency disease. Identifiers: Orphanet 326, MedGen C0015499, MONDO:0009210, OMIM 227400.

gnomAD v4.1: 24 of 1,614,030 alleles (0.0015%); highest among the groups gnomAD compares: Middle Eastern, 0.016%; no homozygotes.

Submission:

Labcorp Genetics (formerly Invitae), Labcorp
Classification: Uncertain significance for Congenital factor V deficiency. Last evaluated: 2025-12-11. Review status: criteria provided, single submitter. Criteria: Invitae Variant Classification Sherloc (09022015). Collection method: clinical testing. Allele origin: germline.
Comment: This sequence change replaces serine, which is neutral and polar, with proline, which is neutral and non-polar, at codon 1060 of the F5 protein (p.Ser1060Pro). This variant is present in population databases (rs779317485, gnomAD 0.01%). This variant has not been reported in the literature in individuals affected with F5-related conditions. Invitae Evidence Modeling of protein sequence and biophysical properties (such as structural, functional, and spatial information, amino acid conservation, physicochemical variation, residue mobility, and thermodynamic stability) indicates that this missense variant is not expected to disrupt F5 protein function with a negative predictive value of 80%. In summary, the available evidence is currently insufficient to determine the role of this variant in disease. Therefore, it has been classified as a Variant of Uncertain Significance.